The following is an entry in ClinVar:

ClinVar aggregate classification (germline): Likely benign. Review status: criteria provided, single submitter (1 of 4 stars). 2 submissions from 2 submitters: Likely benign (1). 1 of the submissions does not count toward it. Last evaluated 2023-01-01.

Conditions:
PLXNA4-related disorder. Also called: PLXNA4-related condition.

Allele frequency attached by ClinVar (database versions not stated): 1000 Genomes Project 30x 0.00156; 1000 Genomes Project 0.00180; ExAC 0.00364; gnomAD 0.00430; TOPMed 0.00447; ESP Exome Variant Server 0.00553; gnomAD exomes 0.00684.
gnomAD v4.1: 10,628 of 1,613,960 alleles (0.66%); highest among the groups gnomAD compares: Non-Finnish European, 0.82%; 37 homozygotes.

Submissions (2):

CeGaT Center for Human Genetics Tuebingen
Classification: Likely benign. Last evaluated: 2023-01-01. Review status: criteria provided, single submitter. Criteria: CeGaT Center For Human Genetics Tuebingen Variant Classification Criteria Version 2. Collection method: clinical testing. Allele origin: germline. Affected: yes. Observed: 1 variant allele.
Comment: PLXNA4: PP2, BP4, BS2

PreventionGenetics, part of Exact Sciences
Classification: Likely benign for PLXNA4-related condition. Last evaluated: 2021-05-19. Review status: no assertion criteria provided. Collection method: clinical testing. Allele origin: germline. Not counted in ClinVar's aggregate classification.
Comment: This variant is classified as likely benign based on ACMG/AMP sequence variant interpretation guidelines (Richards et al. 2015 PMID: 25741868, with internal and published modifications).

NM_020911.2(PLXNA4):c.1372-87033C>T

Gene: PLXNA4 (plexin A4; minus strand). Cytogenetic location: 7q32.3.
Variant type: single nucleotide variant.
Coding change: c.1372-87033C>T on transcript NM_020911.2 (MANE Select); 87033 bases into the intron before coding-DNA position 1372, C replaced by T.
Molecular consequence: intron variant. On other transcripts: missense variant (1).
Genome position (GRCh38, 1-based): chr7:132,385,255, G>A on the plus strand (C>T on the coding strand, the complement: PLXNA4 is on the minus strand). VCF-style: chr7-132385255-G-A. GRCh37 (hg19) VCF-style: chr7-132070014-G-A.
Other names: c.1412C>T (NM_001105543.1); c.1412C>T, p.Thr471Met (NM_001105543.2); c.1372-87033C>T (NM_001393897.1); short protein forms T471M.
Identifiers: ClinVar variation 2658002 (VCV002658002.25), dbSNP rs183271681, ClinGen allele CA4490197.